The following is an entry in ClinVar:

NM_001105206.3(LAMA4):c.1719A>G (p.Gln573=)

Gene: LAMA4 (laminin subunit alpha 4; minus strand). Cytogenetic location: 6q21.
Variant type: single nucleotide variant.
Coding change: c.1719A>G on transcript NM_001105206.3 (MANE Select); coding-DNA position 1719, A replaced by G.
Protein change: p.Gln573=; no amino-acid change (glutamine 573 retained).
Molecular consequence: synonymous variant.
Genome position (GRCh38, 1-based): chr6:112,158,830, T>C on the plus strand (A>G on the coding strand, the complement: LAMA4 is on the minus strand). VCF-style: chr6-112158830-T-C. GRCh37 (hg19) VCF-style: chr6-112480032-T-C.
Other names: p.Q566Q:CAA>CAG; c.1698A>G, p.Gln566= (NM_001105207.3, NM_002290.5).
Identifiers: ClinVar variation 213584 (VCV000213584.4), dbSNP rs782237472, ClinGen allele CA322986.

ClinVar aggregate classification (germline): Conflicting classifications of pathogenicity. Review status: criteria provided, conflicting classifications (1 of 4 stars). 2 submissions from 2 submitters: Uncertain significance (1); Likely benign (1). Last evaluated 2024-06-04.

Conditions:
Cardiovascular phenotype. Identifiers: MedGen CN230736.

Allele frequency attached by ClinVar (database versions not stated): gnomAD 0.00001; TOPMed 0.00001; gnomAD exomes 0.00002.
gnomAD v4.1: 37 of 1,613,176 alleles (0.0023%); highest among the groups gnomAD compares: Non-Finnish European, 0.0027%; no homozygotes.

Submissions (2):

Ambry Genetics
Classification: Uncertain significance for Cardiovascular phenotype. Last evaluated: 2024-06-04. Review status: criteria provided, single submitter. Criteria: Ambry Variant Classification Scheme 2023. Collection method: clinical testing. Allele origin: germline.
Comment: The c.1698A>G variant (also known as p.Q566Q), located in coding exon 13 of the LAMA4 gene, results from an A to G substitution at nucleotide position 1698. This nucleotide substitution does not change the glutamine at codon 566. This nucleotide position is well conserved in available vertebrate species. In silico splice site analysis for this alteration is inconclusive. The evidence for this gene-disease relationship is limited; therefore, the clinical significance of this alteration is unclear.

GeneDx
Classification: Likely benign. Last evaluated: 2014-06-16. Review status: criteria provided, single submitter. Criteria: GeneDx Variant Classification (06012015). Collection method: clinical testing. Allele origin: germline. Affected: yes.
Comment: This variant is considered likely benign or benign based on one or more of the following criteria: it is a conservative change, it occurs at a poorly conserved position in the protein, it is predicted to be benign by multiple in silico algorithms, and/or has population frequency not consistent with disease.